The following is an entry in ClinVar:

ClinVar aggregate classification (germline): Benign (1 of 4 stars; one submission).

Allele frequency attached by ClinVar (database versions not stated): gnomAD exomes 0.09055; gnomAD 0.13960 and 0.14165; TOPMed 0.15345; 1000 Genomes Project 30x 0.21924; 1000 Genomes Project 0.22025.
gnomAD v4.1: 98,609 of 1,000,856 alleles (9.9%); highest among the groups gnomAD compares: East Asian, 30%; 8,276 homozygotes.

Submission:

GeneDx
Classification: Benign. Last evaluated: 2018-06-16. Review status: criteria provided, single submitter. Criteria: GeneDx Variant Classification (06012015). Collection method: clinical testing. Allele origin: germline. Affected: yes.
Comment: This variant is considered likely benign or benign based on one or more of the following criteria: it is a conservative change, it occurs at a poorly conserved position in the protein, it is predicted to be benign by multiple in silico algorithms, and/or has population frequency not consistent with disease.

NM_182961.4(SYNE1):c.23461-120T>C

Gene: SYNE1 (spectrin repeat containing nuclear envelope protein 1; minus strand). Cytogenetic location: 6q25.2.
Variant type: single nucleotide variant.
Coding change: c.23461-120T>C on transcript NM_182961.4 (MANE Select); 120 bases into the intron before coding-DNA position 23461, T replaced by C.
Molecular consequence: intron variant.
Genome position (GRCh38, 1-based): chr6:152,176,680, A>G on the plus strand (T>C on the coding strand, the complement: SYNE1 is on the minus strand). VCF-style: chr6-152176680-A-G. GRCh37 (hg19) VCF-style: chr6-152497815-A-G.
Other names: c.23248-120T>C (NM_033071.5); c.67-120T>C (NM_001347701.2).
Identifiers: ClinVar variation 670697 (VCV000670697.1), dbSNP rs2813507, ClinGen allele CA150191561.